The following is an entry in ClinVar:

ClinVar aggregate classification (germline): Uncertain significance. Review status: criteria provided, multiple submitters, no conflicts (2 of 4 stars). 3 submissions from 3 submitters: Uncertain significance (3). Last evaluated 2026-01-06.

Allele frequency attached by ClinVar (database versions not stated): gnomAD 0.00006; ESP Exome Variant Server 0.00031; gnomAD exomes 0.00006; ExAC 0.00008.
gnomAD v4.1: 168 of 1,604,942 alleles (0.01%); highest among the groups gnomAD compares: Non-Finnish European, 0.014%; no homozygotes.

Submissions (3):

Labcorp Genetics (formerly Invitae), Labcorp
Classification: Uncertain significance. Last evaluated: 2026-01-06. Review status: criteria provided, single submitter. Criteria: Invitae Variant Classification Sherloc (09022015). Collection method: clinical testing. Allele origin: germline.
Comment: This sequence change replaces asparagine, which is neutral and polar, with histidine, which is basic and polar, at codon 41 of the SRP72 protein (p.Asn41His). This variant is present in population databases (rs200214809, gnomAD 0.01%). This variant has not been reported in the literature in individuals affected with SRP72-related conditions. ClinVar contains an entry for this variant (Variation ID: 1417977). Invitae Evidence Modeling of protein sequence and biophysical properties (such as structural, functional, and spatial information, amino acid conservation, physicochemical variation, residue mobility, and thermodynamic stability) indicates that this missense variant is not expected to disrupt SRP72 protein function with a negative predictive value of 80%. In summary, the available evidence is currently insufficient to determine the role of this variant in disease. Therefore, it has been classified as a Variant of Uncertain Significance.

GeneDx
Classification: Uncertain significance. Last evaluated: 2024-11-18. Review status: criteria provided, single submitter. Criteria: GeneDx Variant Classification Process June 2021. Collection method: clinical testing. Allele origin: germline.
Comment: Has not been previously published as pathogenic or benign to our knowledge; In silico analysis indicates that this missense variant does not alter protein structure/function; This variant is associated with the following publications: (PMID: 28369529, 27899666)

Ambry Genetics
Classification: Uncertain significance. Last evaluated: 2024-10-05. Review status: criteria provided, single submitter. Criteria: Ambry Variant Classification Scheme 2023. Collection method: clinical testing. Allele origin: germline.
Comment: The p.N41H variant (also known as c.121A>C), located in coding exon 2 of the SRP72 gene, results from an A to C substitution at nucleotide position 121. The asparagine at codon 41 is replaced by histidine, an amino acid with similar properties. This amino acid position is conserved. In addition, this alteration is predicted to be tolerated by in silico analysis. Based on the available evidence, the clinical significance of this variant remains unclear.

NM_006947.4(SRP72):c.121A>C (p.Asn41His)

Gene: SRP72 (signal recognition particle 72; plus strand). Cytogenetic location: 4q12.
Variant type: single nucleotide variant.
Coding change: c.121A>C on transcript NM_006947.4 (MANE Select); coding-DNA position 121, A replaced by C.
Protein change: p.Asn41His; replaces asparagine 41 with histidine.
Molecular consequence: missense variant. On other transcripts: non-coding transcript variant (1).
Genome position (GRCh38, 1-based): chr4:56,469,664, A>C. VCF-style: chr4-56469664-A-C. GRCh37 (hg19) VCF-style: chr4-57335830-A-C.
Other names: c.121A>C, p.Asn41His (NM_001267722.2); c.121A>C (NM_006947.3); short protein forms N41H.
Identifiers: ClinVar variation 1417977 (VCV001417977.11), dbSNP rs200214809, ClinGen allele CA2930974.